The following is an entry in ClinVar:

ClinVar aggregate classification (germline): Uncertain significance. Review status: criteria provided, multiple submitters, no conflicts (2 of 4 stars). 7 submissions from 7 submitters: Uncertain significance (7). Last evaluated 2026-01-30.

Conditions:
Hyperkalemic periodic paralysis. Also called: Gamstorp disease; Familial hyperkalemic periodic paralysis. Identifiers: Orphanet 682, MedGen C0238357, MONDO:0008224, OMIM 170500, HP:0007215.
Limb-girdle muscular dystrophy (LGMD). Also called: Muscular Dystrophies, Limb-Girdle. Identifiers: Orphanet 263, MedGen C0686353, MeSH D049288, MONDO:0016971, HP:0006785.
SCN4A-related disorder. Also called: SCN4A-related disorders.
Potassium-aggravated myotonia. Also called: MYOTONIA CONGENITA, ACETAZOLAMIDE-RESPONSIVE; MYOTONIA CONGENITA, ATYPICAL; SODIUM CHANNEL MUSCLE DISEASE; Myotonia congenita, atypical, acetazolamide-responsive. Identifiers: Orphanet 612, Orphanet 99734, Orphanet 99735, Orphanet 99736, MedGen C2931826, MONDO:0018959, OMIM 608390.
Hypokalemic periodic paralysis, type 2 (HOKPP2). Identifiers: Orphanet 681, MedGen C2750061, MONDO:0013234, OMIM 613345.
Paramyotonia congenita of Von Eulenburg. Also called: Eulenburg disease; Myotonia congenita intermittens; Von Eulenburg paramyotonia congenita; PARALYSIS PERIODICA PARAMYOTONICA; Paramyotonia Congenita. Identifiers: Orphanet 684, MedGen C0221055, MONDO:0008195, OMIM 168300. Disease mechanism: loss of function.
Congenital myopathy 22A, classic (CMYO22A). Identifiers: MedGen C5830453, MONDO:0957247, OMIM 620351.
Congenital myopathy 22B, severe fetal (CMYO22B). Identifiers: MedGen C5830501, MONDO:0957265, OMIM 620369.
Congenital myasthenic syndrome 16. Identifiers: Orphanet 590, MedGen C3280112, MONDO:0013620, OMIM 614198.

Submissions (7):

GeneDx
Classification: Uncertain significance. Last evaluated: 2026-01-30. Review status: criteria provided, single submitter. Criteria: GeneDx Variant Classification Process June 2021. Collection method: clinical testing. Allele origin: germline. Affected: yes.
Comment: In-frame deletion of 2 amino acid(s) in a non-repeat region; In silico analysis suggests that this variant does not alter protein structure/function; Has not been previously published as pathogenic or benign to our knowledge

Labcorp Genetics (formerly Invitae), Labcorp
Classification: Uncertain significance for Hyperkalemic periodic paralysis. Last evaluated: 2025-10-08. Review status: criteria provided, single submitter. Criteria: Invitae Variant Classification Sherloc (09022015). Collection method: clinical testing. Allele origin: germline.
Comment: This variant, c.5420_5425del, results in the deletion of 2 amino acid(s) of the SCN4A protein (p.Leu1807_Met1808del), but otherwise preserves the integrity of the reading frame. This variant is present in population databases (rs781515976, gnomAD 0.1%). This variant has not been reported in the literature in individuals affected with SCN4A-related conditions. ClinVar contains an entry for this variant (Variation ID: 212133). Experimental studies and prediction algorithms are not available or were not evaluated, and the functional significance of this variant is currently unknown. In summary, the available evidence is currently insufficient to determine the role of this variant in disease. Therefore, it has been classified as a Variant of Uncertain Significance.

Revvity Omics, Revvity
Classification: Uncertain significance. Last evaluated: 2025-05-22. Review status: criteria provided, single submitter. Criteria: ACMG Guidelines, 2015. Collection method: clinical testing. Allele origin: germline.

Fulgent Genetics
Classification: Uncertain significance for Paramyotonia congenita of Von Eulenburg; Hyperkalemic periodic paralysis; Potassium-aggravated myotonia; Hypokalemic periodic paralysis, type 2; Congenital myasthenic syndrome 16; Congenital myopathy 22A, classic; Congenital myopathy 22B, severe fetal. Last evaluated: 2024-06-18. Review status: criteria provided, single submitter. Criteria: ACMG Guidelines, 2015. Collection method: clinical testing. Allele origin: germline.

PreventionGenetics, part of Exact Sciences
Classification: Uncertain significance for SCN4A-related condition. Last evaluated: 2023-05-25. Review status: criteria provided, single submitter. Criteria: ACMG Guidelines, 2015. Collection method: clinical testing. Allele origin: germline.
Comment: The SCN4A c.5420_5425del6 variant is predicted to result in an in-frame deletion (p.Leu1807_Met1808del). To our knowledge, this variant has not been reported in the literature. This variant is reported in 0.10% of alleles in individuals of African descent in gnomAD. Although we suspect that this variant may be benign, at this time, the clinical significance of this variant is uncertain due to the absence of conclusive functional and genetic evidence.

Cambridge Genomics Laboratory, East Genomic Laboratory Hub, NHS Genomic Medicine Service
Classification: Uncertain significance for Limb-girdle muscular dystrophy. Last evaluated: 2019-09-03. Review status: criteria provided, single submitter. Criteria: ACGS Best Practice Guidelines for Variant Classification in Rare Disease 2020. Collection method: clinical testing. Allele origin: germline. Affected: yes. Observed: 1 variant allele.

Genetic Services Laboratory, University of Chicago
Classification: Uncertain significance. Last evaluated: 2015-04-08. Review status: criteria provided, single submitter. Criteria: ACMG Guidelines, 2015. Collection method: clinical testing. Allele origin: germline.

NM_000334.4(SCN4A):c.5420_5425del6

Genes: GH-LCR (growth hormone locus control region; plus strand), SCN4A (sodium voltage-gated channel alpha subunit 4; minus strand). Cytogenetic location: 17q23.3.
Variant type: Deletion.
Coding change: c.5420_5425del6 on transcript NM_000334.4 (MANE Select); coding-DNA positions 5420 to 5425, 6 bases deleted (TGATGC; older notation c.5420_5425del6TGATGC).
Genome position (GRCh38, 1-based): chr17:63,940,857-63,940,862, GCATCA deleted on the plus strand (TGATGC on the coding strand, the reverse complement: SCN4A is on the minus strand); deleting any 6 consecutive bases within chr17:63,940,857-63,940,864 gives the same sequence; the c. name uses the placement nearest the transcript's 3' end. VCF-style (leftmost placement, unchanged base first): chr17-63940856-GGCATCA-G. GRCh37 (hg19) VCF-style: chr17-62018216-GGCATCA-G.
Other names: c.5420_5425delTGATGC (NM_000334.4).
Identifiers: ClinVar variation 212133 (VCV000212133.24), dbSNP rs781515976, ClinGen allele CA207357.